The following is an entry in ClinVar:

ClinVar aggregate classification (germline): Uncertain significance. Review status: criteria provided, multiple submitters, no conflicts (2 of 4 stars). 2 submissions from 2 submitters: Uncertain significance (2). Last evaluated 2023-10-23.

Conditions:
Cardiac malformation, cleft lip/palate, microcephaly, and digital anomalies. Also called: CLEFT PALATE, CARDIAC DEFECTS, AND IMPAIRED INTELLECTUAL DEVELOPMENT. Identifiers: MedGen C1832950, MONDO:0010970, OMIM 600987.

Submissions (2):

Blueprint Genetics
Classification: Uncertain significance. Last evaluated: 2023-10-23. Review status: criteria provided, single submitter. Criteria: ACMG Guidelines, 2015. Collection method: clinical testing. Allele origin: germline.

Victorian Clinical Genetics Services, Murdoch Childrens Research Institute
Classification: Uncertain significance for Cardiac malformation, cleft lip/palate, microcephaly, and digital anomalies. Last evaluated: 2022-03-31. Review status: criteria provided, single submitter. Criteria: ACMG Guidelines, 2015. Collection method: clinical testing. Allele origin: germline. Inheritance: Autosomal dominant inheritance.
Comment: Based on the classification scheme VCGS_Germline_v1.3.4, this variant is classified as VUS-3C. Following criteria are met: 0102 - Loss of function is a known mechanism of disease in this gene and is associated with cleft palate, cardiac defects, and intellectual disability (MIM#600987). (I) 0107 - This gene is associated with autosomal dominant disease. (I) 0205 - Variant is predicted to result in a truncated protein (premature termination codon is NOT located at least 54 nucleotides upstream of the final exon-exon junction) with less than 1/3 of the protein sequence affected. (SP) 0219 - This variant is non-coding in an alternative transcript. This variant is non-coding in the ClinVar predominant and MANE select transcript NM_170675.4, and the exon this variant is located in has no variants reported in ClinVar. (I) 0251 - This variant is heterozygous. (I) 0301 - Variant is absent from gnomAD (both v2 and v3). (SP) 0309 - Another truncating variant has been observed in gnomAD (v2) (4 heterozygotes, 0 homozygotes). (I) 0807 - This variant has no previous evidence of pathogenicity. (I) 0905 - No published segregation evidence has been identified for this variant. (I) 1007 - No published functional evidence has been identified for this variant. (I) 1208 - Inheritance information for this variant is not currently available in this individual. (I) Legend: (SP) - Supporting pathogenic, (I) - Information, (SB) - Supporting benign

Literature cited by the submitters: PubMed 33526774 (cited by Victorian Clinical Genetics Services, Murdoch Childrens Research Institute).

NM_170675.5(MEIS2):c.1147+347del

Gene: MEIS2 (Meis homeobox 2; minus strand). Cytogenetic location: 15q14.
Variant type: Deletion.
Coding change: c.1147+347del on transcript NM_170675.5 (MANE Select); 347 bases into the intron after coding-DNA position 1147, one base deleted (A; older notation c.1147+347delA).
Molecular consequence: intron variant. On other transcripts: frameshift variant (5), non-coding transcript variant (1).
Genome position (GRCh38, 1-based): chr15:36,894,804, T deleted on the plus strand (A on the coding strand, the reverse complement: MEIS2 is on the minus strand). VCF-style (leftmost placement, unchanged base first): chr15-36894803-CT-C. GRCh37 (hg19) VCF-style: chr15-37187004-CT-C.
Other names: c.1096del, p.Ser366fs (NM_002399.4); c.1135del, p.Ser379fs (NM_170674.5); c.1156del, p.Ser386fs (NM_170677.5); c.1117del, p.Ser373fs (NM_172315.3); c.871del, p.Ser291fs (NM_172316.3); c.1126+347del (NM_001220482.2, NM_170676.5); short protein forms S291fs, S366fs, S373fs, S379fs, S386fs.
Identifiers: ClinVar variation 1805395 (VCV001805395.2), dbSNP rs2504239024, ClinGen allele CA2573102938.